The following is an entry in ClinVar:

ClinVar aggregate classification (germline): Pathogenic (1 of 4 stars; one submission).

Conditions:
Primary ciliary dyskinesia. Also called: Ciliary dyskinesia. Identifiers: Orphanet 244, MedGen C0008780, MONDO:0016575, HP:0012265.

Submission:

Labcorp Genetics (formerly Invitae), Labcorp
Classification: Pathogenic for Primary ciliary dyskinesia. Last evaluated: 2021-10-23. Review status: criteria provided, single submitter. Criteria: Invitae Variant Classification Sherloc (09022015). Collection method: clinical testing. Allele origin: germline.
Comment: This variant is a gross deletion of the genomic region encompassing exon(s) 8-16 of the DNAH5 gene. This deletion is out-of-frame, and is expected to create a premature termination codon and result in an absent or disrupted protein product. Loss-of-function variants in DNAH5 are known to be pathogenic (PMID: 11788826, 16627867). This variant has not been reported in the literature in individuals affected with DNAH5-related conditions. For these reasons, this variant has been classified as Pathogenic.

Literature cited by the submitters: PubMed 11788826; PubMed 16627867.

NC_000005.9:g.(?_13894749)_(13917375_?)del

Gene: DNAH5 (dynein axonemal heavy chain 5; minus strand). Cytogenetic location: 5p15.2.
Variant type: Deletion.
Identifiers: ClinVar variation 1455455 (VCV001455455.11).